The following is an entry in ClinVar:

NM_004364.5(CEBPA):c.190A>G (p.Ile64Val)

Gene: CEBPA (CCAAT enhancer binding protein alpha; minus strand). Cytogenetic location: 19q13.11.
Variant type: single nucleotide variant.
Coding change: c.190A>G on transcript NM_004364.5 (MANE Select); coding-DNA position 190, A replaced by G.
Protein change: p.Ile64Val; replaces isoleucine 64 with valine.
Molecular consequence: missense variant. On other transcripts: 5 prime UTR variant (1).
Genome position (GRCh38, 1-based): chr19:33,302,225, T>C on the plus strand (A>G on the coding strand, the complement: CEBPA is on the minus strand). VCF-style: chr19-33302225-T-C. GRCh37 (hg19) VCF-style: chr19-33793131-T-C.
Other names: c.-168A>G (NM_001285829.2); c.295A>G, p.Ile99Val (NM_001287424.2); c.148A>G, p.Ile50Val (NM_001287435.2); short protein forms I64V, I50V, I99V.
Identifiers: ClinVar variation 643693 (VCV000643693.9), dbSNP rs1600023975, ClinGen allele CA405275488.

ClinVar aggregate classification (germline): Uncertain significance (1 of 4 stars; one submission).

Conditions:
Acute myeloid leukemia (AML). Also called: Acute myeloid leukemia, adult; AML adult; Acute non-lymphocytic leukemia; Acute granulocytic leukemia; Leukemia, acute myeloid, somatic; Leukemia, acute myelogenous, somatic. Identifiers: Orphanet 519, MedGen C0023467, MeSH D015470, MONDO:0018874, OMIM 601626, HP:0004808. Disease mechanism: Constitutively activated FLT3.

Submission:

Labcorp Genetics (formerly Invitae), Labcorp
Classification: Uncertain significance for Acute myeloid leukemia. Last evaluated: 2025-03-31. Review status: criteria provided, single submitter. Criteria: Invitae Variant Classification Sherloc (09022015). Collection method: clinical testing. Allele origin: germline.
Comment: This sequence change replaces isoleucine, which is neutral and non-polar, with valine, which is neutral and non-polar, at codon 64 of the CEBPA protein (p.Ile64Val). This variant is not present in population databases (gnomAD no frequency). This variant has not been reported in the literature in individuals affected with CEBPA-related conditions. ClinVar contains an entry for this variant (Variation ID: 643693). Invitae Evidence Modeling of protein sequence and biophysical properties (such as structural, functional, and spatial information, amino acid conservation, physicochemical variation, residue mobility, and thermodynamic stability) has been performed for this missense variant. However, the output from this modeling did not meet the statistical confidence thresholds required to predict the impact of this variant on CEBPA protein function. In summary, the available evidence is currently insufficient to determine the role of this variant in disease. Therefore, it has been classified as a Variant of Uncertain Significance.